The following is an entry in ClinVar:

NM_000051.4(ATM):c.3078-16A>C

Gene: ATM (ATM serine/threonine kinase; plus strand). Cytogenetic location: 11q22.3.
Variant type: single nucleotide variant.
Coding change: c.3078-16A>C on transcript NM_000051.4 (MANE Select); 16 bases into the intron before coding-DNA position 3078, A replaced by C.
Molecular consequence: intron variant.
Genome position (GRCh38, 1-based): chr11:108,272,516, A>C. VCF-style: chr11-108272516-A-C. GRCh37 (hg19) VCF-style: chr11-108143243-A-C.
Other names: c.3078-16A>C (NM_001351834.2).
Identifiers: ClinVar variation 2429159 (VCV002429159.8), dbSNP rs2081636518, ClinGen allele CA1998776430.

ClinVar aggregate classification (germline): Likely benign. Review status: criteria provided, multiple submitters, no conflicts (2 of 4 stars). 3 submissions from 3 submitters: Likely benign (3). Last evaluated 2024-12-11.

Conditions:
Ataxia-telangiectasia syndrome (AT). Also called: Ataxia-telangiectasia, complementation group E; LOUIS-BAR SYNDROME; ATAXIA-TELANGIECTASIA, COMPLEMENTATION GROUP A; ATAXIA-TELANGIECTASIA, FRESNO VARIANT; Cerebello-oculocutaneous telangiectasia; Immunodeficiency with ataxia telangiectasia. Identifiers: Orphanet 100, MedGen C0004135, MONDO:0008840, OMIM 208900.
Familial cancer of breast. Also called: BREAST CANCER, FAMILIAL; hereditary breast carcinoma; Hereditary breast cancer. Identifiers: Orphanet 227535, MedGen C0346153, MONDO:0016419, OMIM 114480. Disease mechanism: loss of function.

Submissions (3):

Women's Health and Genetics/Laboratory Corporation of America, LabCorp
Classification: Likely benign. Last evaluated: 2024-12-11. Review status: criteria provided, single submitter. Criteria: LabCorp Variant Classification Summary - May 2015. Collection method: clinical testing. Allele origin: germline.

Myriad Genetics, Inc.
Classification: Likely benign for Familial cancer of breast. Last evaluated: 2024-05-13. Review status: criteria provided, single submitter. Criteria: Myriad Autosomal Dominant, Autosomal Recessive and X-Linked Classification Criteria (2023). Collection method: clinical testing. Allele origin: unknown.
Comment: This variant is considered likely benign. This variant is intronic and is not expected to impact mRNA splicing.

Labcorp Genetics (formerly Invitae), Labcorp
Classification: Likely benign for Ataxia-telangiectasia syndrome. Last evaluated: 2023-09-06. Review status: criteria provided, single submitter. Criteria: Invitae Variant Classification Sherloc (09022015). Collection method: clinical testing. Allele origin: germline.